The following is an entry in ClinVar:

ClinVar aggregate classification (germline): Uncertain significance (1 of 4 stars; one submission).

Conditions:
Marfan syndrome (MFS). Also called: MARFAN SYNDROME, TYPE I; Marfan syndrome type 1; Marfan's syndrome; Marfan syndrome, classic; FBN1-Related Marfan Syndrome. Identifiers: Orphanet 284963, Orphanet 558, MedGen C0024796, MONDO:0007947, OMIM 154700.
Familial thoracic aortic aneurysm and aortic dissection (TAAD). Also called: Thoracic aortic aneurysms and dissections. Identifiers: Orphanet 91387, MedGen C4707243, MONDO:0019625.

Submission:

Labcorp Genetics (formerly Invitae), Labcorp
Classification: Uncertain significance for Marfan syndrome; Familial thoracic aortic aneurysm and aortic dissection. Last evaluated: 2024-03-05. Review status: criteria provided, single submitter. Criteria: Invitae Variant Classification Sherloc (09022015). Collection method: clinical testing. Allele origin: germline.
Comment: This sequence change falls in intron 32 of the FBN1 gene. It does not directly change the encoded amino acid sequence of the FBN1 protein. It affects a nucleotide within the consensus splice site. This variant is not present in population databases (gnomAD no frequency). This variant has been observed in individual(s) with FBN1-related condition (Invitae). Variants that disrupt the consensus splice site are a relatively common cause of aberrant splicing (PMID: 17576681, 9536098). Algorithms developed to predict the effect of sequence changes on RNA splicing suggest that this variant may disrupt the consensus splice site. In summary, the available evidence is currently insufficient to determine the role of this variant in disease. Therefore, it has been classified as a Variant of Uncertain Significance.

Literature cited by the submitters: PubMed 17576681; PubMed 9536098.

NM_000138.5(FBN1):c.3964+5G>A

Gene: FBN1 (fibrillin 1; minus strand). Cytogenetic location: 15q21.1.
Variant type: single nucleotide variant.
Coding change: c.3964+5G>A on transcript NM_000138.5 (MANE Select); 5 bases into the intron after coding-DNA position 3964, G replaced by A.
Molecular consequence: intron variant.
Genome position (GRCh38, 1-based): chr15:48,481,650, C>T on the plus strand (G>A on the coding strand, the complement: FBN1 is on the minus strand). VCF-style: chr15-48481650-C-T. GRCh37 (hg19) VCF-style: chr15-48773847-C-T.
Other names: c.3964+5G>A (NM_001406716.1).
Identifiers: ClinVar variation 3755112 (VCV003755112.2).